The following is an entry in ClinVar:

NM_004371.4(COPA):c.842+6G>A

Gene: COPA (coat protein complex I subunit alpha; minus strand). Cytogenetic location: 1q23.2.
Variant type: single nucleotide variant.
Coding change: c.842+6G>A on transcript NM_004371.4 (MANE Select); 6 bases into the intron after coding-DNA position 842, G replaced by A.
Molecular consequence: intron variant.
Genome position (GRCh38, 1-based): chr1:160,313,984, C>T on the plus strand (G>A on the coding strand, the complement: COPA is on the minus strand). VCF-style: chr1-160313984-C-T. GRCh37 (hg19) VCF-style: chr1-160283774-C-T.
Other names: c.842+6G>A (NM_001098398.2).
Identifiers: ClinVar variation 4720649 (VCV004720649.1).

ClinVar aggregate classification (germline): Uncertain significance (1 of 4 stars; one submission).

Conditions:
Autoimmune interstitial lung disease-arthritis syndrome. Also called: Autoinflammation and autoimmunity, systemic, with immune dysregulation. Identifiers: Orphanet 444092, MedGen C5975714, MONDO:0014629.

Submission:

Labcorp Genetics (formerly Invitae), Labcorp
Classification: Uncertain significance for Autoimmune interstitial lung disease-arthritis syndrome. Last evaluated: 2025-06-03. Review status: criteria provided, single submitter. Criteria: Invitae Variant Classification Sherloc (09022015). Collection method: clinical testing. Allele origin: germline.
Comment: This sequence change falls in intron 9 of the COPA gene. It does not directly change the encoded amino acid sequence of the COPA protein. It affects a nucleotide within the consensus splice site. This variant is not present in population databases (gnomAD no frequency). This variant has not been reported in the literature in individuals affected with COPA-related conditions. Variants that disrupt the consensus splice site are a relatively common cause of aberrant splicing (PMID: 17576681, 9536098). Algorithms developed to predict the effect of sequence changes on RNA splicing suggest that this variant is not likely to affect RNA splicing. In summary, the available evidence is currently insufficient to determine the role of this variant in disease. Therefore, it has been classified as a Variant of Uncertain Significance.

Literature cited by the submitters: PubMed 17576681; PubMed 9536098.